The following is an entry in ClinVar:

ClinVar aggregate classification (germline): Likely benign (1 of 4 stars; one submission).

Conditions:
PRPH2-related disorder. Also called: PRPH2-related disorders; PRPH2-related condition. Identifiers: MedGen CN239395.

gnomAD v4.1: 22 of 1,613,182 alleles (0.0014%); highest among the groups gnomAD compares: East Asian, 0.0067%; no homozygotes.

Submission:

PreventionGenetics, part of Exact Sciences
Classification: Likely benign for PRPH2-related condition. Last evaluated: 2025-08-08. Review status: criteria provided, single submitter. Criteria: ACMG Guidelines, 2015. Collection method: clinical testing. Allele origin: germline.
Comment: This variant is classified as likely benign based on ACMG/AMP sequence variant interpretation guidelines (Richards et al. 2015 PMID: 25741868, with internal and published modifications).

NM_000322.5(PRPH2):c.-8T>C

Gene: PRPH2 (peripherin 2; minus strand). Cytogenetic location: 6p21.1.
Variant type: single nucleotide variant.
Coding change: c.-8T>C on transcript NM_000322.5 (MANE Select); 8 bases upstream of the start codon, T replaced by C.
Molecular consequence: 5 prime UTR variant.
Genome position (GRCh38, 1-based): chr6:42,722,342, A>G on the plus strand (T>C on the coding strand, the complement: PRPH2 is on the minus strand). VCF-style: chr6-42722342-A-G. GRCh37 (hg19) VCF-style: chr6-42690080-A-G.
Identifiers: ClinVar variation 4985021 (VCV004985021.1).